The following is an entry in ClinVar:

NM_001040462.3(BTNL8):c.801G>A (p.Ala267=)

Gene: BTNL8 (butyrophilin like 8; plus strand). Cytogenetic location: 5q35.3.
Variant type: single nucleotide variant.
Coding change: c.801G>A on transcript NM_001040462.3 (MANE Select); coding-DNA position 801, G replaced by A.
Protein change: p.Ala267=; no amino-acid change (alanine 267 retained).
Molecular consequence: synonymous variant. On other transcripts: missense variant (1), intron variant (1).
Genome position (GRCh38, 1-based): chr5:180,948,368, G>A. VCF-style: chr5-180948368-G-A. GRCh37 (hg19) VCF-style: chr5-180375368-G-A.
Other names: c.801G>A (NM_001040462.2); c.453G>A, p.Ala151= (NM_001159707.2); c.426G>A, p.Ala142= (NM_001159709.2); c.249G>A, p.Ala83= (NM_001159710.2); c.931G>A, p.Gly311Arg (NM_024850.3); c.918-552G>A (NM_001159708.2); short protein forms G311R.
Identifiers: ClinVar variation 2656160 (VCV002656160.25), dbSNP rs113071395, ClinGen allele CA3608333.

ClinVar aggregate classification (germline): Likely benign. Review status: criteria provided, multiple submitters, no conflicts (2 of 4 stars). 2 submissions from 2 submitters: Likely benign (2). Last evaluated 2025-08-04.

Allele frequency attached by ClinVar (database versions not stated): ExAC 0.00011; 1000 Genomes Project 0.00958.

Submissions (2):

Ambry Genetics
Classification: Likely benign. Last evaluated: 2025-08-04. Review status: criteria provided, single submitter. Criteria: Ambry Variant Classification Scheme 2023. Collection method: clinical testing. Allele origin: germline.

CeGaT Center for Human Genetics Tuebingen
Classification: Likely benign. Last evaluated: 2023-01-01. Review status: criteria provided, single submitter. Criteria: CeGaT Center For Human Genetics Tuebingen Variant Classification Criteria Version 2. Collection method: clinical testing. Allele origin: germline. Affected: yes. Observed: 1 variant allele.
Comment: BTNL8: BP4, BS2